The following is an entry in ClinVar:

NM_020207.7(ERCC6L2):c.2062A>T (p.Arg688Trp)

Gene: ERCC6L2 (ERCC excision repair 6 like 2; plus strand). Cytogenetic location: 9q22.32.
Variant type: single nucleotide variant.
Coding change: c.2062A>T on transcript NM_020207.7 (MANE Select); coding-DNA position 2062, A replaced by T.
Protein change: p.Arg688Trp; replaces arginine 688 with tryptophan.
Molecular consequence: missense variant. On other transcripts: non-coding transcript variant (1).
Genome position (GRCh38, 1-based): chr9:95,966,676, A>T. VCF-style: chr9-95966676-A-T. GRCh37 (hg19) VCF-style: chr9-98728958-A-T.
Other names: c.2062A>T, p.Arg688Trp (NM_001010895.4, NM_001375291.1, NM_001375292.1 and 2 more transcripts); short protein forms R688W.
Identifiers: ClinVar variation 4870621 (VCV004870621.1).

ClinVar aggregate classification (germline): Uncertain significance (1 of 4 stars; one submission).

Conditions:
Inborn genetic diseases. Identifiers: MedGen C0950123, MeSH D030342.

Submission:

Ambry Genetics
Classification: Uncertain significance for Inborn genetic diseases. Last evaluated: 2026-05-26. Review status: criteria provided, single submitter. Criteria: Ambry Variant Classification Scheme 2023. Collection method: clinical testing. Allele origin: germline.
Comment: The p.R688W variant (also known as c.2062A>T), located in coding exon 14 of the ERCC6L2 gene, results from an A to T substitution at nucleotide position 2062. The arginine at codon 688 is replaced by tryptophan, an amino acid with dissimilar properties. This amino acid position is conserved. In addition, the in silico prediction for this alteration is inconclusive. Based on the available evidence, the clinical significance of this variant remains unclear.